The following is an entry in ClinVar:

NM_001165963.4(SCN1A):c.1753G>C (p.Gly585Arg)

Gene: SCN1A (sodium voltage-gated channel alpha subunit 1; minus strand). Cytogenetic location: 2q24.3.
Variant type: single nucleotide variant.
Coding change: c.1753G>C on transcript NM_001165963.4 (MANE Select); coding-DNA position 1753, G replaced by C.
Protein change: p.Gly585Arg; replaces glycine 585 with arginine.
Molecular consequence: missense variant. On other transcripts: 5 prime UTR variant (1), non-coding transcript variant (1).
Genome position (GRCh38, 1-based): chr2:166,043,959, C>G on the plus strand (G>C on the coding strand, the complement: SCN1A is on the minus strand). VCF-style: chr2-166043959-C-G. GRCh37 (hg19) VCF-style: chr2-166900469-C-G.
Other names: c.1753G>C, p.Gly585Arg (NM_001165964.3, NM_001202435.3, NM_001353948.2 and 7 more transcripts); c.1750G>C, p.Gly584Arg (NM_001353954.2, NM_001353955.2, NM_001353960.2); c.-673G>C (NM_001353961.2); short protein forms G585R, G584R.
Identifiers: ClinVar variation 530405 (VCV000530405.16), dbSNP rs753050564, ClinGen allele CA59793995.

ClinVar aggregate classification (germline): Uncertain significance. Review status: criteria provided, multiple submitters, no conflicts (2 of 4 stars). 4 submissions from 3 submitters: Uncertain significance (4). Last evaluated 2025-07-21.

Conditions:
Early-infantile DEE. Also called: Early infantile epileptic encephalopathy; Early infantile epileptic encephalopathy with suppression bursts; Ohtahara syndrome. Identifiers: Orphanet 1934, MedGen C0393706, MONDO:0800491.
Generalized epilepsy with febrile seizures plus, type 2 (GEFSP2). Also called: GEFS+, TYPE 2. Identifiers: Orphanet 36387, MedGen C1858673, MONDO:0011461, OMIM 604403.
Migraine, familial hemiplegic, 3. Identifiers: Orphanet 569, MedGen C1864987, MONDO:0012320, OMIM 609634.

Allele frequency attached by ClinVar (database versions not stated): TOPMed 0.00002; gnomAD exomes 0.00005; gnomAD 0.00001.
gnomAD v4.1: 72 of 1,614,026 alleles (0.0045%); highest among the groups gnomAD compares: Non-Finnish European, 0.0059%; no homozygotes.

Submissions (4):

Labcorp Genetics (formerly Invitae), Labcorp
Classification: Uncertain significance for Early-infantile DEE. Last evaluated: 2025-07-21. Review status: criteria provided, single submitter. Criteria: Invitae Variant Classification Sherloc (09022015). Collection method: clinical testing. Allele origin: germline.
Comment: This sequence change replaces glycine, which is neutral and non-polar, with arginine, which is basic and polar, at codon 585 of the SCN1A protein (p.Gly585Arg). This variant is present in population databases (no rsID available, gnomAD 0.003%). This variant has not been reported in the literature in individuals affected with SCN1A-related conditions. ClinVar contains an entry for this variant (Variation ID: 530405). Invitae Evidence Modeling of protein sequence and biophysical properties (such as structural, functional, and spatial information, amino acid conservation, physicochemical variation, residue mobility, and thermodynamic stability) indicates that this missense variant is expected to disrupt SCN1A protein function with a positive predictive value of 95%. In summary, the available evidence is currently insufficient to determine the role of this variant in disease. Therefore, it has been classified as a Variant of Uncertain Significance.

GeneDx
Classification: Uncertain significance. Last evaluated: 2023-02-12. Review status: criteria provided, single submitter. Criteria: GeneDx Variant Classification Process June 2021. Collection method: clinical testing. Allele origin: germline. Affected: yes.
Comment: In silico analysis, which includes protein predictors and evolutionary conservation, supports a deleterious effect; The majority of missense variants in this gene are considered pathogenic (HGMD); This substitution is predicted to be in the cytoplasmic loop between the first and second homologous domains; Has not been previously published as pathogenic or benign to our knowledge

Illumina Laboratory Services, Illumina
Classification: Uncertain significance for Generalized epilepsy with febrile seizures plus, type 2. Last evaluated: 2018-01-13. Review status: criteria provided, single submitter. Criteria: ICSL Variant Classification Criteria 13 December 2019. Collection method: clinical testing. Allele origin: germline.

Illumina Laboratory Services, Illumina
Classification: Uncertain significance for Migraine, familial hemiplegic, 3. Last evaluated: 2018-01-13. Review status: criteria provided, single submitter. Criteria: ICSL Variant Classification Criteria 13 December 2019. Collection method: clinical testing. Allele origin: germline.